The following is an entry in ClinVar:

ClinVar aggregate classification (germline): Benign. Review status: criteria provided, single submitter (1 of 4 stars). 2 submissions from 1 submitter: Benign (2). Last evaluated 2018-01-12.

Conditions:
Craniometaphyseal dysplasia, autosomal dominant (CMDD). Identifiers: Orphanet 1522, MedGen C1852502, MONDO:0007397, OMIM 123000.
Chondrocalcinosis 2. Also called: Familial calcium pyrophosphate deposition; CALCIUM GOUT; CALCIUM PYROPHOSPHATE ARTHROPATHY. Identifiers: Orphanet 1416, MedGen C0856830, MONDO:0007319, OMIM 118600.

Allele frequency attached by ClinVar (database versions not stated): 1000 Genomes Project 0.00938; gnomAD 0.01009 and 0.01087; 1000 Genomes Project 30x 0.01046; TOPMed 0.01117.

Submissions (2):

Illumina Laboratory Services, Illumina
Classification: Benign for Chondrocalcinosis 2. Last evaluated: 2018-01-12. Review status: criteria provided, single submitter. Criteria: ICSL Variant Classification Criteria 13 December 2019. Collection method: clinical testing. Allele origin: germline.
Comment: This variant was observed in the ICSL laboratory as part of a predisposition screen in an ostensibly healthy population. It had not been previously curated by ICSL or reported in the Human Gene Mutation Database (HGMD: prior to June 1st, 2018), and was therefore a candidate for classification through an automated scoring system. Utilizing variant allele frequency, disease prevalence and penetrance estimates, and inheritance mode, an automated score was calculated to assess if this variant is too frequent to cause the disease. Based on the score and internal cut-off values, a variant classified as benign is not then subjected to further curation. The score for this variant resulted in a classification of benign for this disease.

Illumina Laboratory Services, Illumina
Classification: Benign for Craniometaphyseal dysplasia, autosomal dominant. Last evaluated: 2018-01-12. Review status: criteria provided, single submitter. Criteria: ICSL Variant Classification Criteria 13 December 2019. Collection method: clinical testing. Allele origin: germline.
Comment: the same text as in the submission from Illumina Laboratory Services, Illumina above.

NM_054027.6(ANKH):c.*6226G>A

Genes: ANKH (ANKH inorganic pyrophosphate transport regulator; minus strand), OTULIN (OTU deubiquitinase with linear linkage specificity; plus strand). Cytogenetic location: 5p15.2.
Variant type: single nucleotide variant.
Coding change: c.*6226G>A on transcript NM_054027.6 (MANE Select); 6226 bases downstream of the stop codon, G replaced by A.
Molecular consequence: 3 prime UTR variant.
Genome position (GRCh38, 1-based): chr5:14,704,971, C>T on the plus strand (G>A on the coding strand, the complement: ANKH is on the minus strand). VCF-style: chr5-14704971-C-T. GRCh37 (hg19) VCF-style: chr5-14705080-C-T.
Identifiers: ClinVar variation 906741 (VCV000906741.4), dbSNP rs116590750, ClinGen allele CA114019190.